The following is an entry in ClinVar:

NM_024675.4(PALB2):c.2767G>A (p.Val923Ile)

Gene: PALB2 (partner and localizer of BRCA2; minus strand). Cytogenetic location: 16p12.2.
Variant type: single nucleotide variant.
Coding change: c.2767G>A on transcript NM_024675.4 (MANE Select); coding-DNA position 2767, G replaced by A.
Protein change: p.Val923Ile; replaces valine 923 with isoleucine.
Molecular consequence: missense variant.
Genome position (GRCh38, 1-based): chr16:23,624,076, C>T on the plus strand (G>A on the coding strand, the complement: PALB2 is on the minus strand). VCF-style: chr16-23624076-C-T. GRCh37 (hg19) VCF-style: chr16-23635397-C-T.
Other names: c.2605G>A, p.Val869Ile (NM_001407298.1, NM_001407302.1); c.2767G>A, p.Val923Ile (NM_001407299.1, NM_001407300.1, NM_001407301.1); c.1882G>A, p.Val628Ile (NM_001407304.1, NM_001407305.1, NM_001407306.1 and 4 more transcripts); c.1720G>A, p.Val574Ile (NM_001407307.1); c.979G>A, p.Val327Ile (NM_001407312.1, NM_001407313.1); c.301G>A, p.Val101Ile (NM_001407314.1); c.2707G>A, p.Val903Ile (NM_001407296.1); c.2695G>A, p.Val899Ile (NM_001407297.1); short protein forms V101I, V327I, V574I, V628I, V869I, V899I, V903I, V923I.
Identifiers: ClinVar variation 1715990 (VCV001715990.10), dbSNP rs767165391, ClinGen allele CA395145187.

ClinVar aggregate classification (germline): Uncertain significance. Review status: criteria provided, multiple submitters, no conflicts (2 of 4 stars). 4 submissions from 4 submitters: Uncertain significance (4). Last evaluated 2025-07-23.

Conditions:
Familial cancer of breast. Also called: Hereditary breast cancer; BREAST CANCER, FAMILIAL; hereditary breast carcinoma. Identifiers: Orphanet 227535, MedGen C0346153, MONDO:0016419, OMIM 114480. Disease mechanism: loss of function.
Hereditary cancer-predisposing syndrome. Also called: Neoplastic Syndromes, Hereditary; Tumor predisposition; Hereditary Cancer Syndrome; Hereditary neoplastic syndrome. Identifiers: Orphanet 140162, MedGen C0027672, MeSH D009386, MONDO:0015356.

Submissions (4):

Labcorp Genetics (formerly Invitae), Labcorp
Classification: Uncertain significance for Familial cancer of breast. Last evaluated: 2025-07-23. Review status: criteria provided, single submitter. Criteria: Invitae Variant Classification Sherloc (09022015). Collection method: clinical testing. Allele origin: germline.
Comment: This sequence change replaces valine, which is neutral and non-polar, with isoleucine, which is neutral and non-polar, at codon 923 of the PALB2 protein (p.Val923Ile). This variant is not present in population databases (gnomAD no frequency). This variant has not been reported in the literature in individuals affected with PALB2-related conditions. ClinVar contains an entry for this variant (Variation ID: 1715990). Invitae Evidence Modeling of protein sequence and biophysical properties (such as structural, functional, and spatial information, amino acid conservation, physicochemical variation, residue mobility, and thermodynamic stability) indicates that this missense variant is not expected to disrupt PALB2 protein function with a negative predictive value of 80%. In summary, the available evidence is currently insufficient to determine the role of this variant in disease. Therefore, it has been classified as a Variant of Uncertain Significance.

Center for Genomic Medicine, Rigshospitalet, Copenhagen University Hospital
Classification: Uncertain significance. Last evaluated: 2025-03-04. Review status: criteria provided, single submitter. Criteria: ACMG Guidelines, 2015. Collection method: clinical testing. Allele origin: germline.

Molecular Pathology, Peter Maccallum Cancer Centre
Classification: Uncertain significance for Familial cancer of breast. Last evaluated: 2024-01-22. Review status: criteria provided, single submitter. Criteria: ACMG Guidelines, 2015. Collection method: clinical testing. Allele origin: germline. Inheritance: Autosomal dominant inheritance.

Ambry Genetics
Classification: Uncertain significance for Hereditary cancer-predisposing syndrome. Last evaluated: 2017-11-01. Review status: criteria provided, single submitter. Criteria: Ambry Variant Classification Scheme 2023. Collection method: clinical testing. Allele origin: germline.
Comment: The p.V923I variant (also known as c.2767G>A), located in coding exon 8 of the PALB2 gene, results from a G to A substitution at nucleotide position 2767. The valine at codon 923 is replaced by isoleucine, an amino acid with highly similar properties. This amino acid position is well conserved in available vertebrate species. In addition, this alteration is predicted to be tolerated by in silico analysis. Since supporting evidence is limited at this time, the clinical significance of this alteration remains unclear.